The following is an entry in ClinVar:

NM_000145.4(FSHR):c.374+2783T>C

Gene: FSHR (follicle stimulating hormone receptor; minus strand). Cytogenetic location: 2p16.3.
Variant type: single nucleotide variant.
Coding change: c.374+2783T>C on transcript NM_000145.4 (MANE Select); 2783 bases into the intron after coding-DNA position 374, T replaced by C.
Molecular consequence: intron variant.
Genome position (GRCh38, 1-based): chr2:49,014,706, A>G on the plus strand (T>C on the coding strand, the complement: FSHR is on the minus strand). VCF-style: chr2-49014706-A-G. GRCh37 (hg19) VCF-style: chr2-49241845-A-G.
Other names: c.374+2783T>C (NM_181446.3).
Identifiers: ClinVar variation 2650900 (VCV002650900.24), dbSNP rs114206023, ClinGen allele CA47306048.
Genomic context (GRCh38, chr2:49,014,706, plus strand): 5'-TCTGAATCCCTTGGTTTCAAATTTTGCAATGATTCCTCATTTCTCATTTACCTGTTTCCA[A>G]TCCGCATTTTCAGATATGCTATTATTATCATGGGCTAGGGATATCTATGTGAAGAGCTGG-3'

ClinVar aggregate classification (germline): Benign (1 of 4 stars; one submission).

Allele frequency attached by ClinVar (database versions not stated): gnomAD exomes 0.00806; TOPMed 0.00963; gnomAD 0.01015; 1000 Genomes Project 0.00579; 1000 Genomes Project 30x 0.00609.
gnomAD v4.1: 2,259 of 241,912 alleles (0.93%); highest among the groups gnomAD compares: Non-Finnish European, 1.2%; 18 homozygotes.

Submission:

CeGaT Center for Human Genetics Tuebingen
Classification: Benign. Last evaluated: 2023-01-01. Review status: criteria provided, single submitter. Criteria: CeGaT Center For Human Genetics Tuebingen Variant Classification Criteria Version 2. Collection method: clinical testing. Allele origin: germline. Affected: yes. Observed: 2 variant alleles.
Comment: FSHR: BS1, BS2